The following is an entry in ClinVar:

NM_015213.4(DENND5A):c.2128C>T (p.Arg710Cys)

Genes: DENND5A (DENN domain containing 5A; minus strand), LOC126861134 (CDK7 strongly-dependent group 2 enhancer GRCh37_chr11:9190693-9191892; plus strand). Cytogenetic location: 11p15.4.
Variant type: single nucleotide variant.
Coding change: c.2128C>T on transcript NM_015213.4 (MANE Select); coding-DNA position 2128, C replaced by T.
Protein change: p.Arg710Cys; replaces arginine 710 with cysteine.
Molecular consequence: missense variant. On other transcripts: non-coding transcript variant (1).
Genome position (GRCh38, 1-based): chr11:9,169,879, G>A on the plus strand (C>T on the coding strand, the complement: DENND5A is on the minus strand). VCF-style: chr11-9169879-G-A. GRCh37 (hg19) VCF-style: chr11-9191426-G-A.
Other names: c.2128C>T, p.Arg710Cys (NM_001243254.2, NM_001348748.1); c.2056C>T, p.Arg686Cys (NM_001348749.2); c.1840C>T, p.Arg614Cys (NM_001348750.2); c.2128C>T (NM_015213.3); short protein forms R710C, R614C, R686C.
Identifiers: ClinVar variation 1922954 (VCV001922954.3), dbSNP rs1050152874, ClinGen allele CA217550833.

ClinVar aggregate classification (germline): Uncertain significance. Review status: criteria provided, multiple submitters, no conflicts (2 of 4 stars). 2 submissions from 2 submitters: Uncertain significance (2). Last evaluated 2024-12-10.

Conditions:
Inborn genetic diseases. Identifiers: MedGen C0950123, MeSH D030342.

gnomAD v4.1: 7 of 1,612,290 alleles (0.00043%); highest among the groups gnomAD compares: Admixed American, 0.0067%; no homozygotes.

Submissions (2):

Ambry Genetics
Classification: Uncertain significance for Inborn genetic diseases. Last evaluated: 2024-12-10. Review status: criteria provided, single submitter. Criteria: Ambry Variant Classification Scheme 2023. Collection method: clinical testing. Allele origin: germline.

Labcorp Genetics (formerly Invitae), Labcorp
Classification: Uncertain significance. Last evaluated: 2021-12-21. Review status: criteria provided, single submitter. Criteria: Invitae Variant Classification Sherloc (09022015). Collection method: clinical testing. Allele origin: germline.
Comment: This sequence change replaces arginine, which is basic and polar, with cysteine, which is neutral and slightly polar, at codon 710 of the DENND5A protein (p.Arg710Cys). This variant is present in population databases (no rsID available, gnomAD 0.003%). This variant has not been reported in the literature in individuals affected with DENND5A-related conditions. Algorithms developed to predict the effect of missense changes on protein structure and function are either unavailable or do not agree on the potential impact of this missense change (SIFT: "Deleterious"; PolyPhen-2: "Possibly Damaging"; Align-GVGD: "Class C0"). In summary, the available evidence is currently insufficient to determine the role of this variant in disease. Therefore, it has been classified as a Variant of Uncertain Significance.